The following is an entry in ClinVar:

ClinVar aggregate classification (germline): Benign. Review status: criteria provided, multiple submitters, no conflicts (2 of 4 stars). 2 submissions from 2 submitters: Benign (2). Last evaluated 2018-06-14.

Allele frequency attached by ClinVar (database versions not stated): 1000 Genomes Project 30x 0.38991; 1000 Genomes Project 0.39237; gnomAD exomes 0.41011; TOPMed 0.42266; gnomAD 0.42908 and 0.43335.
gnomAD v4.1: 205,929 of 494,746 alleles (42%); highest among the groups gnomAD compares: Non-Finnish European, 43%; 44,110 homozygotes.

Submissions (2):

GeneDx
Classification: Benign. Last evaluated: 2018-06-14. Review status: criteria provided, single submitter. Criteria: GeneDx Variant Classification (06012015). Collection method: clinical testing. Allele origin: germline. Affected: yes.
Comment: This variant is considered likely benign or benign based on one or more of the following criteria: it is a conservative change, it occurs at a poorly conserved position in the protein, it is predicted to be benign by multiple in silico algorithms, and/or has population frequency not consistent with disease.

Breakthrough Genomics
Classification: Benign. Review status: criteria provided, single submitter. Criteria: ACMG Guidelines, 2015. Collection method: not provided. Allele origin: germline. Inheritance: Autosomal recessive inheritance. Affected: yes.

NM_130837.3(OPA1):c.611-233T>C

Genes: OPA1 (OPA1 mitochondrial dynamin like GTPase; plus strand), OPA1-AS1 (OPA1 antisense RNA 1; minus strand). Cytogenetic location: 3q29.
Variant type: single nucleotide variant.
Coding change: c.611-233T>C on transcript NM_130837.3 (MANE Select); 233 bases into the intron before coding-DNA position 611, T replaced by C.
Molecular consequence: intron variant. On other transcripts: non-coding transcript variant (1).
Genome position (GRCh38, 1-based): chr3:193,618,636, T>C. VCF-style: chr3-193618636-T-C. GRCh37 (hg19) VCF-style: chr3-193336425-T-C.
Other names: c.185-233T>C (NM_001354664.2); c.77-233T>C (NM_001354663.2); c.611-233T>C (NM_130834.3); c.557-233T>C (NM_130836.3, NM_015560.3); c.503-233T>C (NM_130835.3, NM_130832.3); c.449-233T>C (NM_130833.3, NM_130831.3).
Identifiers: ClinVar variation 667773 (VCV000667773.2), dbSNP rs9832709, ClinGen allele CA11599180.